The following is an entry in ClinVar:

NM_201384.3(PLEC):c.10302C>A (p.Thr3434=)

Gene: PLEC (plectin; minus strand). Cytogenetic location: 8q24.3.
Variant type: single nucleotide variant.
Coding change: c.10302C>A on transcript NM_201384.3 (MANE Select); coding-DNA position 10302, C replaced by A.
Protein change: p.Thr3434=; no amino-acid change (threonine 3434 retained).
Molecular consequence: synonymous variant.
Genome position (GRCh38, 1-based): chr8:143,919,519, G>T on the plus strand (C>A on the coding strand, the complement: PLEC is on the minus strand). VCF-style: chr8-143919519-G-T. GRCh37 (hg19) VCF-style: chr8-144993687-G-T.
Other names: c.10383C>A, p.Thr3461= (NM_000445.5); c.10260C>A, p.Thr3420= (NM_201378.4); c.10236C>A, p.Thr3412= (NM_201379.3); c.10713C>A, p.Thr3571= (NM_201380.4); c.10206C>A, p.Thr3402= (NM_201381.3); c.10302C>A, p.Thr3434= (NM_201382.4); c.10314C>A, p.Thr3438= (NM_201383.3).
Identifiers: ClinVar variation 282538 (VCV000282538.25), dbSNP rs199879193, ClinGen allele CA4924690.

ClinVar aggregate classification (germline): Conflicting classifications of pathogenicity. Review status: criteria provided, conflicting classifications (1 of 4 stars). 7 submissions from 7 submitters: Uncertain significance (1); Benign (1); Likely benign (4). 1 of the submissions does not count toward it. Last evaluated 2026-06-01.

Conditions:
PLEC-related disorder. Also called: PLEC-related condition; PLEC-related disorders.
Epidermolysis bullosa simplex with nail dystrophy (EBS5D). Identifiers: MedGen C4225309, MONDO:0014661, OMIM 616487.
Epidermolysis bullosa simplex 5C, with pyloric atresia (EBS5C). Also called: PLEC-Related Epidermolysis Bullosa with Pyloric Atresia; PLEC1-Related Epidermolysis Bullosa with Pyloric Atresia; Epidermolysis bullosa simplex with pyloric atresia. Identifiers: Orphanet 158684, MedGen C2677349, MONDO:0012807, OMIM 612138.
Autosomal recessive limb-girdle muscular dystrophy type 2Q (LGMDR17). Also called: MUSCULAR DYSTROPHY, LIMB-GIRDLE, AUTOSOMAL RECESSIVE 17. Identifiers: Orphanet 254361, MedGen C3150989, MONDO:0013390, OMIM 613723.
Epidermolysis bullosa simplex, Ogna type (EBS5A). Also called: Pidermolysis bullosa simplex 5A, Ogna type; EPIDERMOLYSIS BULLOSA SIMPLEX 5A, OGNA TYPE. Identifiers: Orphanet 79401, MedGen C0432317, MONDO:0007555, OMIM 131950.
Epidermolysis bullosa simplex 5B, with muscular dystrophy (EBS5B). Also called: EPIDERMOLYSIS BULLOSA SIMPLEX AND LIMB-GIRDLE MUSCULAR DYSTROPHY; Epidermolysis bullosa simplex with muscular dystrophy. Identifiers: Orphanet 257, MedGen C2931072, MONDO:0009181, OMIM 226670.

Allele frequency attached by ClinVar (database versions not stated): gnomAD 0.00051; TOPMed 0.00053; ESP Exome Variant Server 0.00057.
gnomAD v4.1: 1,051 of 1,612,132 alleles (0.065%); highest among the groups gnomAD compares: Admixed American, 0.083%; no homozygotes.

Submissions (7):

CeGaT Center for Human Genetics Tuebingen
Classification: Likely benign. Last evaluated: 2026-06-01. Review status: criteria provided, single submitter. Criteria: CeGaT Center For Human Genetics Tuebingen Variant Classification Criteria Version 2. Collection method: clinical testing. Allele origin: germline. Affected: yes. Observed: 1 variant allele.
Comment: PLEC: BP4, BP7

Labcorp Genetics (formerly Invitae), Labcorp
Classification: Likely benign for Autosomal recessive limb-girdle muscular dystrophy type 2Q; Epidermolysis bullosa simplex, Ogna type; Epidermolysis bullosa simplex with nail dystrophy; Epidermolysis bullosa simplex 5C, with pyloric atresia; Epidermolysis bullosa simplex 5B, with muscular dystrophy. Last evaluated: 2026-01-16. Review status: criteria provided, single submitter. Criteria: Invitae Variant Classification Sherloc (09022015). Collection method: clinical testing. Allele origin: germline.

Blueprint Genetics
Classification: Likely benign. Last evaluated: 2024-11-20. Review status: criteria provided, single submitter. Criteria: ACMG Guidelines, 2015. Collection method: clinical testing. Allele origin: germline.

GeneDx
Classification: Likely benign. Last evaluated: 2021-04-06. Review status: criteria provided, single submitter. Criteria: GeneDx Variant Classification Process June 2021. Collection method: clinical testing. Allele origin: germline. Affected: yes.

Athena Diagnostics
Classification: Benign. Last evaluated: 2018-12-28. Review status: criteria provided, single submitter. Criteria: Athena Diagnostics Criteria. Collection method: clinical testing. Allele origin: germline.

Eurofins Ntd Llc (ga)
Classification: Uncertain significance. Last evaluated: 2018-07-12. Review status: criteria provided, single submitter. Criteria: EGL ClinVar v180209 classification definitions. Collection method: clinical testing. Allele origin: germline. Observed: 8 variant alleles, 8 heterozygotes.

PreventionGenetics, part of Exact Sciences
Classification: Likely benign for PLEC-related condition. Last evaluated: 2024-04-17. Review status: no assertion criteria provided. Collection method: clinical testing. Allele origin: germline. Not counted in ClinVar's aggregate classification.
Comment: This variant is classified as likely benign based on ACMG/AMP sequence variant interpretation guidelines (Richards et al. 2015 PMID: 25741868, with internal and published modifications).